The following is an entry in ClinVar:

ClinVar aggregate classification (germline): Pathogenic (1 of 4 stars; one submission).

Submission:

GeneDx
Classification: Pathogenic. Last evaluated: 2017-08-03. Review status: criteria provided, single submitter. Criteria: GeneDx Variant Classification (06012015). Collection method: clinical testing. Allele origin: germline. Affected: yes.
Comment: The c.738-1delG variant in the HDAC8 gene has not been reported previously as a pathogenic variant nor as a benign variant, to our knowledge. This splice site variant destroys the canonical splice acceptor site in intron 7. It is predicted to cause abnormal gene splicing, either leading to an abnormal message that is subject to nonsense-mediated mRNA decay, or to an abnormal protein product if the message is used for protein translation. The c.738-1delG variant is not observed in large population cohorts (Lek et al., 2016; 1000 Genomes Consortium et al., 2015; Exome Variant Server). We interpret c.738-1delG as a pathogenic variant.

NM_018486.3(HDAC8):c.738-1del

Gene: HDAC8 (histone deacetylase 8; minus strand). Cytogenetic location: Xq13.1.
Variant type: Deletion.
Coding change: c.738-1del on transcript NM_018486.3 (MANE Select); the canonical splice acceptor site of the intron before coding-DNA position 738, one base deleted (G; older notation c.738-1delG).
Molecular consequence: splice acceptor variant.
Genome position (GRCh38, 1-based): chrX:72,464,732, C deleted on the plus strand (G on the coding strand, the reverse complement: HDAC8 is on the minus strand). VCF-style (leftmost placement, unchanged base first): chrX-72464731-AC-A. GRCh37 (hg19) VCF-style: chrX-71684581-AC-A.
Other names: c.465-1del (NM_001166418.2, NM_001410728.1); c.660-1del (NM_001410727.1); c.738-1del (NM_001410725.1, NM_001410729.1).
Identifiers: ClinVar variation 451066 (VCV000451066.2), dbSNP rs1555993243, ClinGen allele CA658659013.